The following is an entry in ClinVar:

NM_000374.5(UROD):c.398A>G (p.Tyr133Cys)

Gene: UROD (uroporphyrinogen decarboxylase; plus strand). Cytogenetic location: 1p34.1.
Variant type: single nucleotide variant.
Coding change: c.398A>G on transcript NM_000374.5 (MANE Select); coding-DNA position 398, A replaced by G.
Protein change: p.Tyr133Cys; replaces tyrosine 133 with cysteine.
Molecular consequence: missense variant. On other transcripts: non-coding transcript variant (3).
Genome position (GRCh38, 1-based): chr1:45,013,715, A>G. VCF-style: chr1-45013715-A-G. GRCh37 (hg19) VCF-style: chr1-45479387-A-G.
Other names: short protein forms Y133C.
Identifiers: ClinVar variation 1374872 (VCV001374872.8), dbSNP rs189411788, ClinGen allele CA825234.
Genomic context (GRCh38, chr1:45,013,715, plus strand): 5'-GAGAAGAGCAGGACCTAGAACGCCTACGGGATCCAGAAGTGGTAGCCTCTGAGCTAGGCT[A>G]TGTGTTCCAAGCCATCACCCTTACCCGACAACGACTGGCTGGACGTGTGCCGCTGATTGG-3'
Protein context (NP_000365.3, residues 123-143): DPEVVASELG[Tyr133Cys]VFQAITLTRQ

ClinVar aggregate classification (germline): Uncertain significance (1 of 4 stars; one submission).

Allele frequency attached by ClinVar (database versions not stated): ExAC 0.00002; gnomAD exomes 0.00004; gnomAD 0.00009 and 0.00011; 1000 Genomes Project 30x 0.00016; 1000 Genomes Project 0.00020; TOPMed 0.00028.

Submission:

Labcorp Genetics (formerly Invitae), Labcorp
Classification: Uncertain significance. Last evaluated: 2024-10-12. Review status: criteria provided, single submitter. Criteria: Invitae Variant Classification Sherloc (09022015). Collection method: clinical testing. Allele origin: germline.
Comment: This sequence change replaces tyrosine, which is neutral and polar, with cysteine, which is neutral and slightly polar, at codon 133 of the UROD protein (p.Tyr133Cys). This variant is present in population databases (rs189411788, gnomAD 0.02%). This variant has not been reported in the literature in individuals affected with UROD-related conditions. ClinVar contains an entry for this variant (Variation ID: 1374872). Invitae Evidence Modeling of protein sequence and biophysical properties (such as structural, functional, and spatial information, amino acid conservation, physicochemical variation, residue mobility, and thermodynamic stability) indicates that this missense variant is expected to disrupt UROD protein function with a positive predictive value of 80%. In summary, the available evidence is currently insufficient to determine the role of this variant in disease. Therefore, it has been classified as a Variant of Uncertain Significance.